The following is an entry in ClinVar:

NM_001366385.1(CARD14):c.2119G>A (p.Asp707Asn)

Genes: SGSH (N-sulfoglucosamine sulfohydrolase; minus strand), CARD14 (caspase recruitment domain family member 14; plus strand). Cytogenetic location: 17q25.3.
Variant type: single nucleotide variant.
Coding change: c.2119G>A on transcript NM_001366385.1 (MANE Select); coding-DNA position 2119, G replaced by A.
Protein change: p.Asp707Asn; replaces aspartic acid 707 with asparagine.
Molecular consequence: missense variant. On other transcripts: non-coding transcript variant (1).
Genome position (GRCh38, 1-based): chr17:80,202,320, G>A. VCF-style: chr17-80202320-G-A. GRCh37 (hg19) VCF-style: chr17-78176119-G-A.
Other names: c.2119G>A, p.Asp707Asn (NM_001257970.1, NM_024110.4); short protein forms D707N.
Identifiers: ClinVar variation 1406616 (VCV001406616.8), dbSNP rs757622443, ClinGen allele CA8817186.
Genomic context (GRCh38, chr17:80,202,320, plus strand): 5'-ATGGAGGGCAGGGCCAAAGGGGAGCTGCAGGTGCATTGCAACGAGGTCCTGCACGTCACC[G>A]ACACCATGTTCCAGGGCTGCGGCTGCTGGCATGCCCACCGCGTGAACTCTTACACCATGA-3'
Protein context (NP_001353314.1, residues 697-717): VHCNEVLHVT[Asp707Asn]TMFQGCGCWH

ClinVar aggregate classification (germline): Uncertain significance (1 of 4 stars; one submission).

Conditions:
Pityriasis rubra pilaris (PRP). Also called: Pityriasis rubra pilaris--familial type. Identifiers: Orphanet 2897, MedGen C0032027, MONDO:0100017, OMIM 173200, MONDO:0008251.
Psoriasis 2. Identifiers: MedGen C1864497, MONDO:0011269, OMIM 602723.

Allele frequency attached by ClinVar (database versions not stated): ExAC 0.00001; gnomAD exomes 0.00001.
gnomAD v4.1: 25 of 1,613,638 alleles (0.0015%); highest among the groups gnomAD compares: Middle Eastern, 0.016%; 1 homozygote.

Submission:

Labcorp Genetics (formerly Invitae), Labcorp
Classification: Uncertain significance for Pityriasis rubra pilaris; Psoriasis 2. Last evaluated: 2024-11-05. Review status: criteria provided, single submitter. Criteria: Invitae Variant Classification Sherloc (09022015). Collection method: clinical testing. Allele origin: germline.
Comment: This sequence change replaces aspartic acid, which is acidic and polar, with asparagine, which is neutral and polar, at codon 707 of the CARD14 protein (p.Asp707Asn). This variant is present in population databases (rs757622443, gnomAD 0.007%). This variant has not been reported in the literature in individuals affected with CARD14-related conditions. ClinVar contains an entry for this variant (Variation ID: 1406616). Invitae Evidence Modeling of protein sequence and biophysical properties (such as structural, functional, and spatial information, amino acid conservation, physicochemical variation, residue mobility, and thermodynamic stability) indicates that this missense variant is not expected to disrupt CARD14 protein function with a negative predictive value of 95%. In summary, the available evidence is currently insufficient to determine the role of this variant in disease. Therefore, it has been classified as a Variant of Uncertain Significance.